The following is an entry in ClinVar:

ClinVar aggregate classification (germline): Likely pathogenic (1 of 4 stars; one submission).

Conditions:
Niemann-Pick disease, type C1. Also called: NEUROVISCERAL STORAGE DISEASE WITH VERTICAL SUPRANUCLEAR OPHTHALMOPLEGIA; NIEMANN-PICK DISEASE WITH CHOLESTEROL ESTERIFICATION BLOCK; NIEMANN-PICK DISEASE WITHOUT SPHINGOMYELINASE DEFICIENCY; NIEMANN-PICK DISEASE, CHRONIC NEURONOPATHIC FORM; NIEMANN-PICK DISEASE, VARIANT TYPE C1. Identifiers: Orphanet 646, MedGen C3179455, MONDO:0009757, OMIM 257220.

Submission:

Myriad Genetics, Inc.
Classification: Likely pathogenic for Niemann-Pick disease, type C1. Last evaluated: 2021-12-31. Review status: criteria provided, single submitter. Criteria: Myriad Women's Health Autosomal Recessive and X-Linked Classification Criteria (2021). Collection method: clinical testing. Allele origin: unknown.
Comment: NM_000271.4(NPC1):c.747delC(K250Sfs*60) is expected to be pathogenic in the context of Niemann-Pick disease type C1. This variant is predicted to lead to an abnormal or absent protein product due to the creation of a premature termination codon in NPC1, a gene where loss-of-function variants are known to be pathogenic. Please note: this variant was assessed in the context of healthy population screening.

NM_000271.5(NPC1):c.747del (p.Lys250fs)

Gene: NPC1 (NPC intracellular cholesterol transporter 1; minus strand). Cytogenetic location: 18q11.2.
Variant type: Deletion.
Coding change: c.747del on transcript NM_000271.5 (MANE Select); coding-DNA position 747, one base deleted (C; older notation c.747delC).
Protein change: p.Lys250fs; shifts the reading frame from lysine 250.
Molecular consequence: frameshift variant.
Genome position (GRCh38, 1-based): chr18:23,560,365, G deleted on the plus strand (C on the coding strand, the reverse complement: NPC1 is on the minus strand); the first of 4 consecutive G bases (chr18:23,560,365-23,560,368); deleting any one gives the same sequence. VCF-style (leftmost placement, unchanged base first): chr18-23560364-TG-T. GRCh37 (hg19) VCF-style: chr18-21140328-TG-T.
Other names: short protein forms K250fs.
Identifiers: ClinVar variation 1726891 (VCV001726891.2), dbSNP rs2511302863, ClinGen allele CA2580095626.